The following is an entry in ClinVar:

ClinVar aggregate classification (germline): Uncertain significance (1 of 4 stars; one submission).

Allele frequency attached by ClinVar (database versions not stated): gnomAD exomes 0.00001; TOPMed 0.00001.
gnomAD v4.1: 3 of 1,610,692 alleles (0.00019%); highest among the groups gnomAD compares: Non-Finnish European, 0.00025%; no homozygotes.

Submission:

Labcorp Genetics (formerly Invitae), Labcorp
Classification: Uncertain significance. Last evaluated: 2021-12-24. Review status: criteria provided, single submitter. Criteria: Invitae Variant Classification Sherloc (09022015). Collection method: clinical testing. Allele origin: germline.
Comment: This sequence change replaces serine, which is neutral and polar, with threonine, which is neutral and polar, at codon 1328 of the CARMIL2 protein (p.Ser1328Thr). The frequency data for this variant in the population databases is considered unreliable, as metrics indicate poor data quality at this position in the gnomAD database. This variant has not been reported in the literature in individuals affected with CARMIL2-related conditions. Algorithms developed to predict the effect of missense changes on protein structure and function are either unavailable or do not agree on the potential impact of this missense change (SIFT: "Deleterious"; PolyPhen-2: "Benign"; Align-GVGD: "Class C0"). In summary, the available evidence is currently insufficient to determine the role of this variant in disease. Therefore, it has been classified as a Variant of Uncertain Significance.

NM_001013838.3(CARMIL2):c.3982T>A (p.Ser1328Thr)

Gene: CARMIL2 (capping protein regulator and myosin 1 linker 2; plus strand). Cytogenetic location: 16q22.1.
Variant type: single nucleotide variant.
Coding change: c.3982T>A on transcript NM_001013838.3 (MANE Select); coding-DNA position 3982, T replaced by A.
Protein change: p.Ser1328Thr; replaces serine 1328 with threonine.
Molecular consequence: missense variant.
Genome position (GRCh38, 1-based): chr16:67,656,591, T>A. VCF-style: chr16-67656591-T-A. GRCh37 (hg19) VCF-style: chr16-67690494-T-A.
Other names: c.3874T>A, p.Ser1292Thr (NM_001317026.3); short protein forms S1328T, S1292T.
Identifiers: ClinVar variation 2056828 (VCV002056828.4), dbSNP rs1212214259, ClinGen allele CA396348611.